The following is an entry in ClinVar:

ClinVar aggregate classification (germline): Uncertain significance. Review status: criteria provided, multiple submitters, no conflicts (2 of 4 stars). 2 submissions from 2 submitters: Uncertain significance (2). Last evaluated 2026-01-26.

Conditions:
CHARGE syndrome (CHARGE). Also called: Hittner Hirsch Kreh syndrome; CHARGE ASSOCIATION--COLOBOMA, HEART ANOMALY, CHOANAL ATRESIA, RETARDATION, GENITAL AND EAR ANOMALIES; Coloboma, heart anomaly, choanal atresia, retardation, genital and ear anomalies; CHARGE association; Hall-Hittner syndrome. Identifiers: Orphanet 138, MedGen C0265354, MONDO:0008965.

Allele frequency attached by ClinVar (database versions not stated): gnomAD exomes below 0.00001.
gnomAD v4.1: 2 of 1,614,056 alleles (0.00012%); highest among the groups gnomAD compares: Non-Finnish European, 0.000085%; no homozygotes.

Submissions (2):

Labcorp Genetics (formerly Invitae), Labcorp
Classification: Uncertain significance for CHARGE syndrome. Last evaluated: 2026-01-26. Review status: criteria provided, single submitter. Criteria: Invitae Variant Classification Sherloc (09022015). Collection method: clinical testing. Allele origin: germline.
Comment: This sequence change replaces proline, which is neutral and non-polar, with serine, which is neutral and polar, at codon 2468 of the CHD7 protein (p.Pro2468Ser). This variant is not present in population databases (gnomAD no frequency). This variant has not been reported in the literature in individuals affected with CHD7-related conditions. ClinVar contains an entry for this variant (Variation ID: 3062077). Invitae Evidence Modeling of protein sequence and biophysical properties (such as structural, functional, and spatial information, amino acid conservation, physicochemical variation, residue mobility, and thermodynamic stability) indicates that this missense variant is not expected to disrupt CHD7 protein function with a negative predictive value of 95%. In summary, the available evidence is currently insufficient to determine the role of this variant in disease. Therefore, it has been classified as a Variant of Uncertain Significance.

Illumina Laboratory Services, Illumina
Classification: Uncertain significance for CHD7-related CHARGE syndrome. Last evaluated: 2018-11-30. Review status: criteria provided, single submitter. Criteria: ICSLVariantClassificationCriteria RUGD 01 April 2020. Collection method: clinical testing. Allele origin: unknown.
Comment: The CHD7 c.7402C>T (p.Pro2468Ser) variant is a missense variant. A literature search was performed for the gene, cDNA, and amino acid change. No publications were found based on this search. This variant is not found in the Genome Aggregation Database in a region of good sequencing coverage so the variant is presumed to be rare. Based on the limited evidence, the c.7402C>T (p.Pro2468Ser) is classified as a variant of uncertain significance for CHARGE syndrome.

NM_017780.4(CHD7):c.7402C>T (p.Pro2468Ser)

Gene: CHD7 (chromodomain helicase DNA binding protein 7; plus strand). Cytogenetic location: 8q12.2.
Variant type: single nucleotide variant.
Coding change: c.7402C>T on transcript NM_017780.4 (MANE Select); coding-DNA position 7402, C replaced by T.
Protein change: p.Pro2468Ser; replaces proline 2468 with serine.
Molecular consequence: missense variant. On other transcripts: intron variant (1).
Genome position (GRCh38, 1-based): chr8:60,856,682, C>T. VCF-style: chr8-60856682-C-T. GRCh37 (hg19) VCF-style: chr8-61769241-C-T.
Other names: c.1717-5547C>T (NM_001316690.1); short protein forms P2468S.
Identifiers: ClinVar variation 3062077 (VCV003062077.2), dbSNP rs2488075898, ClinGen allele CA371301476.